The following is an entry in ClinVar:

NM_012431.3(SEMA3E):c.1778T>C (p.Ile593Thr)

Gene: SEMA3E (semaphorin 3E; minus strand). Cytogenetic location: 7q21.11.
Variant type: single nucleotide variant.
Coding change: c.1778T>C on transcript NM_012431.3 (MANE Select); coding-DNA position 1778, T replaced by C.
Protein change: p.Ile593Thr; replaces isoleucine 593 with threonine.
Molecular consequence: missense variant.
Genome position (GRCh38, 1-based): chr7:83,385,391, A>G on the plus strand (T>C on the coding strand, the complement: SEMA3E is on the minus strand). VCF-style: chr7-83385391-A-G. GRCh37 (hg19) VCF-style: chr7-83014707-A-G.
Other names: c.1598T>C, p.Ile533Thr (NM_001178129.2); short protein forms I533T, I593T.
Identifiers: ClinVar variation 4986098 (VCV004986098.1).

ClinVar aggregate classification (germline): Uncertain significance (1 of 4 stars; one submission).

Conditions:
SEMA3E-related disorder. Also called: SEMA3E-related condition.

Submission:

PreventionGenetics, part of Exact Sciences
Classification: Uncertain significance for SEMA3E-related condition. Last evaluated: 2025-10-07. Review status: criteria provided, single submitter. Criteria: ACMG Guidelines, 2015. Collection method: clinical testing. Allele origin: germline.
Comment: The SEMA3E c.1778T>C variant is predicted to result in the amino acid substitution p.Ile593Thr. To our knowledge, this variant has not been reported in the literature or in a large population database (gnomAD), indicating this variant is rare. At this time, the clinical significance of this variant is uncertain due to the absence of conclusive functional and genetic evidence.